The following is an entry in ClinVar:

ClinVar aggregate classification (germline): Uncertain significance. Review status: criteria provided, multiple submitters, no conflicts (2 of 4 stars). 2 submissions from 2 submitters: Uncertain significance (2). Last evaluated 2024-06-17.

Conditions:
Nephronophthisis 18 (NPHP18). Identifiers: Orphanet 655, MedGen C3890591, MONDO:0014374, OMIM 615862.
Inborn genetic diseases. Identifiers: MedGen C0950123, MeSH D030342.

Allele frequency attached by ClinVar (database versions not stated): gnomAD exomes 0.00001; TOPMed 0.00002.
gnomAD v4.1: 6 of 1,612,502 alleles (0.00037%); highest among the groups gnomAD compares: Admixed American, 0.01%; no homozygotes.

Submissions (2):

Ambry Genetics
Classification: Uncertain significance for Inborn genetic diseases. Last evaluated: 2024-06-17. Review status: criteria provided, single submitter. Criteria: Ambry Variant Classification Scheme 2023. Collection method: clinical testing. Allele origin: germline.

Labcorp Genetics (formerly Invitae), Labcorp
Classification: Uncertain significance for Nephronophthisis 18. Last evaluated: 2022-05-29. Review status: criteria provided, single submitter. Criteria: Invitae Variant Classification Sherloc (09022015). Collection method: clinical testing. Allele origin: germline.
Comment: Algorithms developed to predict the effect of missense changes on protein structure and function output the following: SIFT: "Not Available"; PolyPhen-2: "Benign"; Align-GVGD: "Not Available". The leucine amino acid residue is found in multiple mammalian species, which suggests that this missense change does not adversely affect protein function. In summary, the available evidence is currently insufficient to determine the role of this variant in disease. Therefore, it has been classified as a Variant of Uncertain Significance. This variant has not been reported in the literature in individuals affected with CEP83-related conditions. This sequence change replaces phenylalanine, which is neutral and non-polar, with leucine, which is neutral and non-polar, at codon 16 of the CEP83 protein (p.Phe16Leu). This variant is present in population databases (no rsID available, gnomAD 0.01%).

NM_016122.3(CEP83):c.48T>G (p.Phe16Leu)

Gene: CEP83 (centrosomal protein 83; minus strand). Cytogenetic location: 12q22.
Variant type: single nucleotide variant.
Coding change: c.48T>G on transcript NM_016122.3 (MANE Select); coding-DNA position 48, T replaced by G.
Protein change: p.Phe16Leu; replaces phenylalanine 16 with leucine.
Molecular consequence: missense variant. On other transcripts: non-coding transcript variant (1), intron variant (6).
Genome position (GRCh38, 1-based): chr12:94,412,443, A>C on the plus strand (T>G on the coding strand, the complement: CEP83 is on the minus strand). VCF-style: chr12-94412443-A-C. GRCh37 (hg19) VCF-style: chr12-94806219-A-C.
Other names: c.48T>G (NM_016122.2); c.48T>G, p.Phe16Leu (NM_001042399.2, NM_001346457.2, NM_001346460.2 and 4 more transcripts); c.-140+74T>G (NM_001346459.2, NM_001346458.2, NM_001368040.1 and 3 more transcripts); short protein forms F16L.
Identifiers: ClinVar variation 2195606 (VCV002195606.5), dbSNP rs959501360, ClinGen allele CA242067000.
Genomic context (GRCh38, chr12:94,412,443, plus strand): 5'-AATTAACATTTTCTGGAACTCCGACTGAGAACCTGTCAATCCACTGTCTCCACCAGGAGG[A>C]AAATTATTGGGAAAAGTGTCCATATCGGTAAATGTGCTGACAACCATGTAAAAATAAGTT-3'
Protein context (NP_057206.2, residues 6-26): FTDMDTFPNN[Phe16Leu]PPGGDSGLTG